The following is an entry in ClinVar:

ClinVar aggregate classification (germline): Uncertain significance (1 of 4 stars; one submission).

Conditions:
Holoprosencephaly 3 (HPE3). Identifiers: Orphanet 2162, MedGen C1840529, MONDO:0007733, OMIM 142945.

Allele frequency attached by ClinVar (database versions not stated): gnomAD 0.00001; TOPMed 0.00002.
gnomAD v4.1: 2 of 152,168 alleles (0.0013%); highest among the groups gnomAD compares: African/African-American, 0.0024%; no homozygotes.

Submission:

Labcorp Genetics (formerly Invitae), Labcorp
Classification: Uncertain significance for Holoprosencephaly 3. Last evaluated: 2025-03-25. Review status: criteria provided, single submitter. Criteria: Invitae Variant Classification Sherloc (09022015). Collection method: clinical testing. Allele origin: germline.
Comment: This variant occurs in a non-coding region of the SHH gene. It does not change the encoded amino acid sequence of the SHH protein. This variant is not present in population databases (gnomAD no frequency). This variant has not been reported in the literature in individuals affected with SHH-related conditions. Experimental studies and prediction algorithms are not available or were not evaluated, and the functional significance of this variant is currently unknown. In summary, the available evidence is currently insufficient to determine the role of this variant in disease. Therefore, it has been classified as a Variant of Uncertain Significance.

NC_000007.14:g.156769050G>A

Genes: LMBR1 (limb development membrane protein 1; minus strand), SHH (sonic hedgehog signaling molecule; minus strand). Cytogenetic location: 7q36.3.
Variant type: single nucleotide variant.
Molecular consequence: intron variant (on NM_022458.4).
Genome position: GRCh38 VCF-style: chr7-156769050-G-A. GRCh37 (hg19) VCF-style: chr7-156561744-G-A.
Other names: c.145-5255C>T (NM_001350954.2); c.424-5255C>T (NM_001363410.2, NM_022458.4, NM_001363409.2 and 1 more transcripts); c.-33-5255C>T (NM_001350958.2, NM_001350956.2, NM_001350955.2 and 1 more transcripts); c.55-5255C>T (NM_001350957.2, NM_001363411.2); c.361-5255C>T (NM_001363412.2).
Identifiers: ClinVar variation 2869838 (VCV002869838.3), dbSNP rs754526094, ClinGen allele CA169820929.
Genomic context (GRCh38, chr7:156,769,050, plus strand): 5'-GCTGAGATATTCGCTTCTCCTCCTGGGGCCCTATACTGTTTATATTGGGCCAAAGGGAAG[G>A]CACAGTCCCTGAGGCCAAGCTTGCATAGTATGATCATGTAAAACACGAATACCAATTTAA-3'